The following is an entry in ClinVar:

ClinVar aggregate classification (germline): Pathogenic/Likely pathogenic. Review status: criteria provided, multiple submitters, no conflicts (2 of 4 stars). 4 submissions from 4 submitters: Pathogenic (1); Likely pathogenic (2). 1 of the submissions does not count toward it. Last evaluated 2026-01-27.

Conditions:
Anauxetic dysplasia. Identifiers: Orphanet 93347, MedGen C1846796, MONDO:0011773.
Metaphyseal chondrodysplasia, McKusick type (CHH). Also called: Cartilage-hair hypoplasia; Cartilage-Hair Hypoplasia (CHH). Identifiers: Orphanet 175, MedGen C0220748, MONDO:0009595, OMIM 250250.

Submissions (4):

Labcorp Genetics (formerly Invitae), Labcorp
Classification: Pathogenic for Anauxetic dysplasia. Last evaluated: 2026-01-27. Review status: criteria provided, single submitter. Criteria: Invitae Variant Classification Sherloc (09022015). Collection method: clinical testing. Allele origin: germline.
Comment: This variant occurs in the RMRP gene, which encodes an RNA molecule that does not result in a protein product. This variant is not present in population databases (gnomAD no frequency). While this particular variant has not been reported in the literature, it is located in the promoter region between the TATA box and the transcription initiation site, and other insertions and duplications immediately upstream of the coding sequence have been reported in individuals affected with cartilage-hair hypoplasia-anauxetic dysplasia (CHH-AD) spectrum disorders (PMID: 16244706, 11207361, 12107819). ClinVar contains an entry for this variant (Variation ID: 551691). While functional studies for this variant have not been reported, experimental analyses using patient derived cells, as well as in vitro transfection studies, have shown that promoter insertions result in silencing of RMRP transcription and reduced expression of the gene product (PMID: 11207361, 16254002). For these reasons, this variant has been classified as Pathogenic.

Natera, Inc.
Classification: Likely pathogenic for Cartilage-hair hypoplasia. Last evaluated: 2025-11-19. Review status: criteria provided, single submitter. Criteria: Natera Variant Classification Schema (03/2026). Collection method: clinical testing. Allele origin: germline.
Comment: The n.-20_-13dupCTCTGTGA variant in RMRP is a duplication affecting the RMRP promoter region between the TATA box and the transcription initiation site. Other duplications and insertions just upstream of the transcription initiation site have been reported in individuals affected with cartilage-hair hypoplasia (PMID: 11207361, 17937437). This variant is rare in the general population with a frequency below the threshold expected for the associated phenotype(s). Given the available evidence, this variant is classified as Likely Pathogenic.

Women's Health and Genetics/Laboratory Corporation of America, LabCorp
Classification: Likely pathogenic for Metaphyseal chondrodysplasia, McKusick type. Last evaluated: 2022-03-16. Review status: criteria provided, single submitter. Criteria: LabCorp Variant Classification Summary - May 2015. Collection method: clinical testing. Allele origin: germline.
Comment: Variant summary: RMRP n.-20_-13dupCTCTGTGA is located in the untranscribed region upstream of the RMRP gene region, which is located between the TATA box (-33 to -25) and the transcription initiation site. Other insertions or duplications in the promoter region of RMRP have been classified as pathogenic (internally and in ClinVar). The variant was absent in 127922 control chromosomes. The available data on variant occurrences in the general population are insufficient to allow any conclusion about variant significance. To our knowledge, no occurrence of n.-20_-13dupCTCTGTGA in individuals affected with Cartilage-Hair Hypoplasia and no experimental evidence demonstrating its impact on protein function have been reported. Two clinical diagnostic laboratories have submitted clinical-significance assessments for this variant to ClinVar after 2014 without evidence for independent evaluation. Both laboratories classified the variant as likely pathogenic. Based on the evidence outlined above, the variant was classified as likely pathogenic.

Counsyl
Classification: Likely pathogenic for Metaphyseal chondrodysplasia, McKusick type. Last evaluated: 2017-05-01. Review status: no assertion criteria provided. Collection method: clinical testing. Allele origin: unknown. Not counted in ClinVar's aggregate classification.

Literature cited by the submitters: PubMed 16244706 (cited by Labcorp Genetics (formerly Invitae), Labcorp); PubMed 11207361 (cited by 3 submitters); PubMed 12107819 (cited by Labcorp Genetics (formerly Invitae), Labcorp); PubMed 16254002 (cited by Labcorp Genetics (formerly Invitae), Labcorp and Counsyl); PubMed 17937437 (cited by Natera, Inc. and Counsyl).

NR_003051.3(RMRP):n.-20_-13dupCTCTGTGA

Gene: RMRP (RNA component of mitochondrial RNA processing endoribonuclease; minus strand). Cytogenetic location: 9p13.3.
Variant type: Duplication.
Genome position: GRCh38 VCF-style: chr9-35658030-T-TTCACAGAG. GRCh37 (hg19) VCF-style: chr9-35658027-T-TTCACAGAG.
Identifiers: ClinVar variation 551691 (VCV000551691.14), dbSNP rs1554651512, ClinGen allele CA658821611.